The following is an entry in ClinVar:

ClinVar aggregate classification (germline): Uncertain significance (1 of 4 stars; one submission).

Submission:

Laboratory for Molecular Medicine, Mass General Brigham Personalized Medicine
Classification: Uncertain significance. Last evaluated: 2014-08-19. Review status: criteria provided, single submitter. Criteria: LMM Criteria. Collection method: clinical testing. Allele origin: germline. Observed: 1 variant allele.
Comment: Variant classified as Uncertain Significance - Favor Benign. The Phe365Leu varia nt in MYH14 has not been previously reported in individuals with hearing loss or in large populations studies. The phenylalanine (Phe) at position 365 is not c onserved in mammals or evolutionary distant species, with rat and mouse having a leucine (Leu) at this position, raising the possibility that a change at this p osition may be tolerated. Additional computational prediction tools suggest that the Phe365Leu variant may not impact the protein, though this information is no t predictive enough to rule out pathogenicity. In summary, while the clinical si gnificance of the Phe365Leu variant is uncertain, these data suggest that it is more likely to be benign.

NM_001145809.2(MYH14):c.1095C>A (p.Phe365Leu)

Gene: MYH14 (myosin heavy chain 14; plus strand). Cytogenetic location: 19q13.33.
Variant type: single nucleotide variant.
Coding change: c.1095C>A on transcript NM_001145809.2 (MANE Select); coding-DNA position 1095, C replaced by A.
Protein change: p.Phe365Leu; replaces phenylalanine 365 with leucine.
Molecular consequence: missense variant.
Genome position (GRCh38, 1-based): chr19:50,232,051, C>A. VCF-style: chr19-50232051-C-A. GRCh37 (hg19) VCF-style: chr19-50735308-C-A.
Other names: c.1095C>A, p.Phe365Leu (NM_001077186.2); c.1071C>A, p.Phe357Leu (NM_024729.4); short protein forms F365L, F357L.
Identifiers: ClinVar variation 179970 (VCV000179970.4), dbSNP rs727505251, ClinGen allele CA185543.
Genomic context (GRCh38, chr19:50,232,051, plus strand): 5'-TCCCGGCCAGGAGCGGGAACTCTTCCAGGAGACGCTGGAGTCGCTGCGGGTCCTGGGATT[C>A]AGCCACGAGGAAATCATCTGTGAGTGAGCCCCGTGGAGGCCAGGGGTAGGGGGGAACCCC-3'
Protein context (NP_001139281.1, residues 355-375): ETLESLRVLG[Phe365Leu]SHEEIISMLR